The following is an entry in ClinVar:

ClinVar aggregate classification (germline): Conflicting classifications of pathogenicity. Review status: criteria provided, conflicting classifications (1 of 4 stars). 7 submissions from 7 submitters: Uncertain significance (6); Likely benign (1). Last evaluated 2024-11-05.

Conditions:
Hereditary von Willebrand disease. Identifiers: Orphanet 903, MedGen C5703318, MONDO:0019565. Inheritance: Autosomal recessive or Autosomal dominant.
von Willebrand disease type 1 (VWD1). Also called: VON WILLEBRAND DISEASE, TYPE I; VWD, TYPE 1. Identifiers: Orphanet 166078, Orphanet 903, MedGen C1264039, MONDO:0008668, OMIM 193400. Inheritance: autosomal recessive or autosomal dominant.
von Willebrand disease type 3 (VWD3). Also called: Type 3 Von Willebrand's disease; Type 3 VWD; Von Willebrand disease, severe form; V WD3; VON WILLEBRAND DISEASE, TYPE III. Identifiers: Orphanet 166096, MedGen C1264041, MONDO:0010191, OMIM 277480.

Allele frequency attached by ClinVar (database versions not stated): ESP Exome Variant Server 0.00016; ExAC 0.00040; gnomAD 0.00041 and 0.00042; gnomAD exomes 0.00041; TOPMed 0.00048.
gnomAD v4.1: 617 of 1,598,298 alleles (0.039%); highest among the groups gnomAD compares: Middle Eastern, 0.8%; no homozygotes.

Submissions (7):

Blueprint Genetics
Classification: Likely benign. Last evaluated: 2024-11-05. Review status: criteria provided, single submitter. Criteria: ACMG Guidelines, 2015. Collection method: clinical testing. Allele origin: germline.

Quest Diagnostics Nichols Institute San Juan Capistrano
Classification: Uncertain significance. Last evaluated: 2024-07-29. Review status: criteria provided, single submitter. Criteria: Quest Diagnostics criteria. Collection method: clinical testing. Allele origin: unknown.
Comment: The VWF c.5665-9C>A variant has not been reported in individuals with VWF-related conditions in the published literature. The frequency of this variant in the general population, 0.0045 (44/9730 chromosomes (Genome Aggregation Database)), is uninformative in the assessment of its pathogenicity. Analysis of this variant using software algorithms for the prediction of the effect of nucleotide changes on splicing yielded predictions that this variant does not affect VWF mRNA splicing. Based on the available information, we are unable to determine the clinical significance of this variant.

Department of Medical Genetics, Bayan National Lab for Medical Diagnostics
Classification: Uncertain significance for von Willebrand disease type 1. Last evaluated: 2023-12-08. Review status: criteria provided, single submitter. Criteria: ACMG Guidelines, 2015. Collection method: clinical testing. Allele origin: de novo. Inheritance: Autosomal dominant inheritance. Affected: yes. Observed: 1 homozygote.
Comment: The c.5665-9C>A variant in VWF gene was submitted 3 times to the ClinVar database as a variant of uncertain significance and there are no published papers about this variant. Our interpretation of the variant following ACMG guidelines showed contradictory criteria which also led us to the conclusion of the uncertain significance of this variant.

Department of Pathology and Laboratory Medicine, Sinai Health System
Classification: Uncertain significance for von Willebrand disease type 1; von Willebrand disease type 3. Last evaluated: 2023-02-01. Review status: criteria provided, single submitter. Criteria: ACMG Guidelines, 2015. Collection method: research. Allele origin: germline.

Baylor Genetics
Classification: Uncertain significance for von Willebrand disease type 1. Last evaluated: 2018-03-13. Review status: criteria provided, single submitter. Criteria: ACMG Guidelines, 2015. Collection method: clinical testing. Allele origin: paternal. Affected: yes.
Comment: This variant was determined to be of uncertain significance according to ACMG Guidelines, 2015 [PMID:25741868].

Illumina Laboratory Services, Illumina
Classification: Uncertain significance for von Willebrand disorder. Last evaluated: 2017-04-27. Review status: criteria provided, single submitter. Criteria: ICSL Variant Classification Criteria 13 December 2019. Collection method: clinical testing. Allele origin: germline.

Breakthrough Genomics
Classification: Uncertain significance. Review status: criteria provided, single submitter. Criteria: ACMG Guidelines, 2015. Collection method: not provided. Allele origin: germline. Inheritance: Autosomal recessive inheritance. Affected: yes.

NM_000552.5(VWF):c.5665-9C>A

Gene: VWF (von Willebrand factor; minus strand). Cytogenetic location: 12p13.31.
Variant type: single nucleotide variant.
Coding change: c.5665-9C>A on transcript NM_000552.5 (MANE Select); 9 bases into the intron before coding-DNA position 5665, C replaced by A.
Molecular consequence: intron variant.
Genome position (GRCh38, 1-based): chr12:6,011,803, G>T on the plus strand (C>A on the coding strand, the complement: VWF is on the minus strand). VCF-style: chr12-6011803-G-T. GRCh37 (hg19) VCF-style: chr12-6120969-G-T.
Other names: c.5665-9C>A.
Identifiers: ClinVar variation 801309 (VCV000801309.14), dbSNP rs201789774, ClinGen allele CA6402187.
Genomic context (GRCh38, chr12:6,011,803, plus strand): 5'-GCTGGCAAGTCACGGTGTGGCACTGGTCTGGCAAGGTCCAGACGTCCCCGGGCTGCAGAA[G>T]AAAACAGCAGATTCAGGCAGGGAATAAGATGAGGTACTCCAACTCTAAGCCCATCTGCCA-3'